The following is an entry in ClinVar:

NM_004336.5(BUB1):c.1294G>C (p.Val432Leu)

Gene: BUB1 (BUB1 mitotic checkpoint serine/threonine kinase; minus strand). Cytogenetic location: 2q13.
Variant type: single nucleotide variant.
Coding change: c.1294G>C on transcript NM_004336.5 (MANE Select); coding-DNA position 1294, G replaced by C.
Protein change: p.Val432Leu; replaces valine 432 with leucine.
Molecular consequence: missense variant.
Genome position (GRCh38, 1-based): chr2:110,658,725, C>G on the plus strand (G>C on the coding strand, the complement: BUB1 is on the minus strand). VCF-style: chr2-110658725-C-G. GRCh37 (hg19) VCF-style: chr2-111416302-C-G.
Other names: c.1234G>C, p.Val412Leu (NM_001278616.2); c.1294G>C, p.Val432Leu (NM_001278617.2); short protein forms V412L, V432L.
Identifiers: ClinVar variation 3223993 (VCV003223993.1), dbSNP rs2468010594, ClinGen allele CA348212814.

ClinVar aggregate classification (germline): Uncertain significance (1 of 4 stars; one submission).

Submission:

Ambry Genetics
Classification: Uncertain significance. Last evaluated: 2023-09-28. Review status: criteria provided, single submitter. Criteria: Ambry Variant Classification Scheme 2023. Collection method: clinical testing. Allele origin: germline.
Comment: The p.V432L variant (also known as c.1294G>C), located in coding exon 12 of the BUB1 gene, results from a G to C substitution at nucleotide position 1294. The valine at codon 432 is replaced by leucine, an amino acid with highly similar properties. This amino acid position is conserved. In addition, this alteration is predicted to be tolerated by in silico analysis. Since supporting evidence is limited at this time, the clinical significance of this alteration remains unclear.